The following is an entry in ClinVar:

NM_004006.3(DMD):c.867TTC[1] (p.Ser291del)

Gene: DMD (dystrophin; minus strand). Cytogenetic location: Xp21.1.
Variant type: Microsatellite.
Coding change: c.867TTC[1] on transcript NM_004006.3 (MANE Select); one copy of the 3-base unit TTC starting at c.867; the reference has two copies in a row; one copy, 3 bases deleted; also written c.870_872del.
Protein change: p.Ser291del; deletes serine 291.
Molecular consequence: inframe deletion.
Genome position (GRCh38, 1-based): chrX:32,697,958-32,697,960, GAA deleted on the plus strand (TTC on the coding strand, the reverse complement: DMD is on the minus strand); deleting any 3 consecutive bases within chrX:32,697,958-32,697,964 gives the same sequence; the position shown is the placement nearest the transcript's 3' end. VCF-style (leftmost placement, unchanged base first): chrX-32697957-GGAA-G. GRCh37 (hg19) VCF-style: chrX-32716074-GGAA-G.
Other names: c.843TTC[1], p.Ser283del (NM_000109.4); c.855TTC[1], p.Ser287del (NM_004009.3); c.498TTC[1], p.Ser168del (NM_004010.3); c.870_872del (NM_004006.3); short protein forms S168del, S283del, S287del, S291del.
Identifiers: ClinVar variation 4886326 (VCV004886326.2).

ClinVar aggregate classification (germline): Uncertain significance (1 of 4 stars; one submission).

Submission:

Dasa
Classification: Uncertain significance. Last evaluated: 2025-12-18. Review status: criteria provided, single submitter. Criteria: DASA Assertion Criteria. Collection method: clinical testing. Allele origin: germline.
Comment: NM_004006.3(DMD):c.870_872del (p.Ser291del) is an in-frame deletion predicted to remove serine at protein position 291 without shifting the reading frame. This variant is rare in population databases. The currently available literature and clinical evidence are not sufficient to establish a definitive association between this variant and the reported condition. Therefore, this variant is classified as a variant of uncertain significance.